The following is an entry in ClinVar:

ClinVar aggregate classification (germline): Uncertain significance. Review status: criteria provided, multiple submitters, no conflicts (2 of 4 stars). 5 submissions from 5 submitters: Uncertain significance (4). 1 of the submissions does not count toward it. Last evaluated 2026-06-30.

Conditions:
BBS1-related disorder. Also called: BBS1-related condition.
Bardet-Biedl syndrome (BBS). Identifiers: Orphanet 110, MedGen C0752166, MONDO:0015229.
Bardet-Biedl syndrome 1 (BBS1). Identifiers: MedGen C2936862, MONDO:0008854, OMIM 209900. Disease mechanism: loss of function.

Allele frequency attached by ClinVar (database versions not stated): gnomAD 0.00006; ESP Exome Variant Server 0.00023; TOPMed 0.00011.
gnomAD v4.1: 110 of 1,614,118 alleles (0.0068%); highest among the groups gnomAD compares: Non-Finnish European, 0.0088%; no homozygotes.

Submissions (5):

PreventionGenetics, part of Exact Sciences
Classification: Uncertain significance for BBS1-related condition. Last evaluated: 2026-06-30. Review status: criteria provided, single submitter. Criteria: ACMG Guidelines, 2015. Collection method: clinical testing. Allele origin: germline.
Comment: The BBS1 c.1534C>A variant is predicted to result in the amino acid substitution p.Arg512Ser. This variant was reported in an individual with a body mass index (BMI) of ~40.4, however no additional studies were performed to help assess the pathogenicity of this variant (Table 1, Day et al. 2021. PubMed ID: 33616283). This variant is reported in 0.0085% of alleles in individuals of European (Non-Finnish) descent in gnomAD. A different nucleotide substitution affecting the same amino acid (p.Arg512His) has been reported in an individual with Bardet-Biedl syndrome (Chen et al. 2011. PubMed ID: 21642631). At this time, the clinical significance of the c.1534C>A (p.Arg512Ser) variant is uncertain due to the absence of conclusive functional and genetic evidence.

Blueprint Genetics
Classification: Uncertain significance. Last evaluated: 2024-09-20. Review status: criteria provided, single submitter. Criteria: ACMG Guidelines, 2015. Collection method: clinical testing. Allele origin: germline.

Labcorp Genetics (formerly Invitae), Labcorp
Classification: Uncertain significance for Bardet-Biedl syndrome. Last evaluated: 2022-07-23. Review status: criteria provided, single submitter. Criteria: Invitae Variant Classification Sherloc (09022015). Collection method: clinical testing. Allele origin: germline.
Comment: This sequence change replaces arginine, which is basic and polar, with serine, which is neutral and polar, at codon 512 of the BBS1 protein (p.Arg512Ser). This variant is present in population databases (rs369653969, gnomAD 0.009%). This variant has not been reported in the literature in individuals affected with BBS1-related conditions. ClinVar contains an entry for this variant (Variation ID: 969583). Algorithms developed to predict the effect of missense changes on protein structure and function are either unavailable or do not agree on the potential impact of this missense change (SIFT: "Deleterious"; PolyPhen-2: "Benign"; Align-GVGD: "Class C15"). Algorithms developed to predict the effect of sequence changes on RNA splicing suggest that this variant may create or strengthen a splice site. In summary, the available evidence is currently insufficient to determine the role of this variant in disease. Therefore, it has been classified as a Variant of Uncertain Significance.

Fulgent Genetics
Classification: Uncertain significance for Bardet-Biedl syndrome 1. Last evaluated: 2022-02-03. Review status: criteria provided, single submitter. Criteria: ACMG Guidelines, 2015. Collection method: clinical testing. Allele origin: unknown.

Natera, Inc.
Classification: Uncertain significance for Bardet-Biedl syndrome type 1. Last evaluated: 2020-02-05. Review status: no assertion criteria provided. Collection method: clinical testing. Allele origin: germline. Not counted in ClinVar's aggregate classification.

NM_024649.5(BBS1):c.1534C>A (p.Arg512Ser)

Genes: BBS1 (Bardet-Biedl syndrome 1; plus strand), ZDHHC24 (zDHHC palmitoyltransferase 24; minus strand). Cytogenetic location: 11q13.2.
Variant type: single nucleotide variant.
Coding change: c.1534C>A on transcript NM_024649.5 (MANE Select); coding-DNA position 1534, C replaced by A.
Protein change: p.Arg512Ser; replaces arginine 512 with serine.
Molecular consequence: missense variant. On other transcripts: intron variant (1).
Genome position (GRCh38, 1-based): chr11:66,530,954, C>A. VCF-style: chr11-66530954-C-A. GRCh37 (hg19) VCF-style: chr11-66298425-C-A.
Other names: c.560-1466G>T (NM_001348571.2); short protein forms R512S.
Identifiers: ClinVar variation 969583 (VCV000969583.10), dbSNP rs369653969, ClinGen allele CA6123803.